The following is an entry in ClinVar:

ClinVar aggregate classification (germline): Benign (1 of 4 stars; one submission).

Allele frequency attached by ClinVar (database versions not stated): 1000 Genomes Project 30x 0.06683; 1000 Genomes Project 0.07169; TOPMed 0.08261; gnomAD 0.09463 and 0.09478.
gnomAD v4.1: 14,417 of 151,872 alleles (9.5%); highest among the groups gnomAD compares: Non-Finnish European, 13%; 884 homozygotes.

Submission:

GeneDx
Classification: Benign. Last evaluated: 2018-06-14. Review status: criteria provided, single submitter. Criteria: GeneDx Variant Classification (06012015). Collection method: clinical testing. Allele origin: germline. Affected: yes.
Comment: This variant is considered likely benign or benign based on one or more of the following criteria: it is a conservative change, it occurs at a poorly conserved position in the protein, it is predicted to be benign by multiple in silico algorithms, and/or has population frequency not consistent with disease.

NM_001256545.2(MEGF10):c.1590+296G>C

Gene: MEGF10 (multiple EGF like domains 10; plus strand). Cytogenetic location: 5q23.2.
Variant type: single nucleotide variant.
Coding change: c.1590+296G>C on transcript NM_001256545.2 (MANE Select); 296 bases into the intron after coding-DNA position 1590, G replaced by C.
Molecular consequence: intron variant.
Genome position (GRCh38, 1-based): chr5:127,420,503, G>C. VCF-style: chr5-127420503-G-C. GRCh37 (hg19) VCF-style: chr5-126756195-G-C.
Other names: c.1590+296G>C (NM_032446.3, NM_001308119.2, NM_001308121.2).
Identifiers: ClinVar variation 671490 (VCV000671490.1), dbSNP rs17673517, ClinGen allele CA12074076.